The following is an entry in ClinVar:

ClinVar aggregate classification (germline): Conflicting classifications of pathogenicity. Review status: criteria provided, conflicting classifications (1 of 4 stars). 5 submissions from 5 submitters: Uncertain significance (1); Benign (1); Likely benign (1). 2 of the submissions do not count toward it. Last evaluated 2026-01-06.

Conditions:
CIITA-related disorder. Also called: CIITA-related condition.
MHC class II deficiency. Also called: Bare lymphocyte syndrome 2; BLS, TYPE II. Identifiers: Orphanet 572, MedGen C5447452, MONDO:0008855.

Allele frequency attached by ClinVar (database versions not stated): gnomAD 0.00011 and 0.00012; gnomAD exomes 0.00011 and 0.00018; TOPMed 0.00014; 1000 Genomes Project 30x 0.00016; 1000 Genomes Project 0.00020; ExAC 0.00024.
gnomAD v4.1: 195 of 1,613,966 alleles (0.012%); highest among the groups gnomAD compares: East Asian, 0.11%; 1 homozygote.

Submissions (5):

Labcorp Genetics (formerly Invitae), Labcorp
Classification: Benign for MHC class II deficiency. Last evaluated: 2026-01-06. Review status: criteria provided, single submitter. Criteria: Invitae Variant Classification Sherloc (09022015). Collection method: clinical testing. Allele origin: germline.

Blueprint Genetics
Classification: Likely benign. Last evaluated: 2024-09-09. Review status: criteria provided, single submitter. Criteria: ACMG Guidelines, 2015. Collection method: clinical testing. Allele origin: germline.

Illumina Laboratory Services, Illumina
Classification: Uncertain significance for MHC class II deficiency 1. Last evaluated: 2018-01-13. Review status: criteria provided, single submitter. Criteria: ICSL Variant Classification Criteria 13 December 2019. Collection method: clinical testing. Allele origin: germline.

Natera, Inc.
Classification: Benign for Bare lymphocyte syndrome type II. Last evaluated: 2020-09-16. Review status: no assertion criteria provided. Collection method: clinical testing. Allele origin: germline. Not counted in ClinVar's aggregate classification.

PreventionGenetics, part of Exact Sciences
Classification: Likely benign for CIITA-related condition. Last evaluated: 2020-08-25. Review status: no assertion criteria provided. Collection method: clinical testing. Allele origin: germline. Not counted in ClinVar's aggregate classification.
Comment: This variant is classified as likely benign based on ACMG/AMP sequence variant interpretation guidelines (Richards et al. 2015 PMID: 25741868, with internal and published modifications).

NM_000246.4(CIITA):c.772+8C>T

Gene: CIITA (class II major histocompatibility complex transactivator; plus strand). Cytogenetic location: 16p13.13.
Variant type: single nucleotide variant.
Coding change: c.772+8C>T on transcript NM_000246.4 (MANE Select); 8 bases into the intron after coding-DNA position 772, C replaced by T.
Molecular consequence: intron variant.
Genome position (GRCh38, 1-based): chr16:10,902,809, C>T. VCF-style: chr16-10902809-C-T. GRCh37 (hg19) VCF-style: chr16-10996666-C-T.
Other names: c.775+8C>T (NM_001286402.1, NM_001379332.1); c.628+8C>T (NM_001379330.1); c.772+8C>T (NM_001379333.1); c.625+8C>T (NM_001379331.1, NM_001286403.2); c.703+8C>T (NM_001379334.1).
Identifiers: ClinVar variation 317684 (VCV000317684.20), dbSNP rs557455283, ClinGen allele CA7899884.
Genomic context (GRCh38, chr16:10,902,809, plus strand): 5'-CTGGCAAATCTCTGAGGCTGGAACAGGGGTCTCCAGTATATTCATCTACCATGGTGAGTG[C>T]GGGGCCTGGCTCCCCGACCACCTCTCCCTCCTACCTGACTGCTCCCTGACCTCATCCTCC-3'